The following is an entry in ClinVar:

Single allele

Genes: ACKR3 (atypical chemokine receptor 3; plus strand), AGAP1 (ArfGAP with GTPase domain, ankyrin repeat and PH domain 1; plus strand), AGXT (alanine--glyoxylate aminotransferase; plus strand), ALPG (alkaline phosphatase, germ cell; plus strand), ALPI (alkaline phosphatase, intestinal; plus strand) and 120 more. Cytogenetic location: 2q36.3-37.3.
Variant type: Duplication.
Identifiers: ClinVar variation 2671587 (VCV002671587.1).

ClinVar aggregate classification (germline): Pathogenic (1 of 4 stars; one submission).

Submission:

Illumina Laboratory Services, Illumina
Classification: Pathogenic. Last evaluated: 2023-05-24. Review status: criteria provided, single submitter. Criteria: ICSL CNVClassificationCriteria Aug2020. Collection method: clinical testing. Allele origin: unknown.
Comment: This CNV is a 13.0 Mb duplication of 2q36.3-q37.3 on chromosome 2, (seq[GRCh37]dup(2)(q36.3q37.3); NC_000002.11:g.230077026_243049549dup). This CNV constitutes a gain of 124 protein coding genes and has not been reported in controls. Duplications of a similar size and location to this event, including at least six that occurred de novo, have been reported in individuals with intellectual disability, craniofacial and skeletal anomalies, and additional features (PMID: 19344873; 36357380). 2q duplications arise primarily from a parental chromosomal rearrangement associated with the deletion of a partner chromosomal segment (PMID: 19344873; 25851921). Based on the available evidence, this CNV is classified as pathogenic.